The following is an entry in ClinVar:

NM_001368894.2(PAX6):c.823C>T (p.Arg275Ter)

Gene: PAX6 (paired box 6; minus strand). Cytogenetic location: 11p13.
Variant type: single nucleotide variant.
Coding change: c.823C>T on transcript NM_001368894.2 (MANE Select); coding-DNA position 823, C replaced by T.
Protein change: p.Arg275Ter; replaces arginine 275 with a stop codon.
Molecular consequence: nonsense. On other transcripts: non-coding transcript variant (2).
Genome position (GRCh38, 1-based): chr11:31,793,787, G>A on the plus strand (C>T on the coding strand, the complement: PAX6 is on the minus strand). VCF-style: chr11-31793787-G-A. GRCh37 (hg19) VCF-style: chr11-31815335-G-A.
Other names: c.781C>T, p.Arg261Ter (NM_000280.6, NM_001127612.3, NM_001258464.2 and 10 more transcripts); c.823C>T, p.Arg275Ter (NM_001258462.3, NM_001258463.2, NM_001310158.2 and 6 more transcripts); c.373C>T, p.Arg125Ter (NM_001310160.2, NM_001310161.3, NM_001368907.2 and 11 more transcripts); c.1024C>T, p.Arg342Ter (NM_001368910.2); c.826C>T, p.Arg276Ter (NM_001368911.2); c.622C>T, p.Arg208Ter (NM_001368926.2, NM_001368927.2, NM_001368921.2 and 4 more transcripts); c.580C>T, p.Arg194Ter (NM_001368928.2); c.178C>T, p.Arg60Ter (NM_001368930.2); and 4 more; short protein forms R261*, R125*, R208*, R276*, R300*, R342*, R60*, R194*.
Identifiers: ClinVar variation 279862 (VCV000279862.54), dbSNP rs886041222, ClinGen allele CA10603114.
Genomic context (GRCh38, chr11:31,793,787, plus strand): 5'-TGTTGCTGGCCTGTCTTCTCTGATTCCTCAGTTTTTCTTCTCTTCTCCATTTGGCCCTTC[G>A]ATTAGAAAACCATACCTGGAAATCAGGTGGGACAGGTTAGCACTGTGTCTACGTCGAGCC-3'

ClinVar aggregate classification (germline): Pathogenic. Review status: criteria provided, multiple submitters, no conflicts (2 of 4 stars). 12 submissions from 12 submitters: Pathogenic (11). 1 of the submissions does not count toward it. Last evaluated 2025-12-05.

Conditions:
Aniridia 1 (AN1). Identifiers: Orphanet 250923, MedGen C0344542, MONDO:0024507, OMIM 106210.
Irido-corneo-trabecular dysgenesis (ASGD5). Also called: ANTERIOR SEGMENT DYSGENESIS 5. Identifiers: Orphanet 708, MedGen C0344559, MONDO:0011414, OMIM 604229, HP:0000659.
PAX6-related disorder. Also called: PAX6-related disorders; PAX6-related condition.
Isolated optic nerve hypoplasia. Also called: Bilateral optic nerve hypoplasia. Identifiers: Orphanet 637061, MedGen C1833797, MONDO:0008136, OMIM 165550.
Coloboma, ocular, autosomal dominant (MCOPCB12). Also called: Microphthalmia/coloboma 12. Identifiers: MedGen C5886785, MONDO:0007350, OMIM 120200.
Foveal hypoplasia 1. Also called: FOVEAL HYPOPLASIA 1 WITH OR WITHOUT ANTERIOR SEGMENT ANOMALIES AND/OR CATARACT; FOVEAL HYPOPLASIA 1 WITH ANTERIOR SEGMENT ANOMALIES. Identifiers: Orphanet 2253, MedGen C3805604, MONDO:0007628, OMIM 136520.
Autosomal dominant keratitis. Also called: Keratitis, hereditary. Identifiers: Orphanet 2334, MedGen C1835698, MONDO:0007848, OMIM 148190.
Coloboma of optic nerve. Also called: OPTIC NERVE HEAD PITS, BILATERAL CONGENITAL; Coloboma of optic nerve (disease); Congenital coloboma of the optic nerve. Identifiers: Orphanet 35737, Orphanet 98947, MedGen C0155299, MONDO:0007354, OMIM 120430, HP:0000588.
11p partial monosomy syndrome (WAGR). Also called: WAGR Complex; CHROMOSOME 11p13 DELETION SYNDROME; WAGR Spectrum Disorder; WAGR syndrome. Identifiers: Orphanet 893, MedGen C0206115, MONDO:0008681, OMIM 194072.
Congenital ocular coloboma. Also called: COLOBOMA OF IRIS, CHOROID, AND RETINA; COLOBOMA, UVEORETINAL; Coloboma of eye; Coloboma. Identifiers: Orphanet 194, MedGen C0009363, MONDO:0001476, HP:0000589.

Submissions (12):

3billion
Classification: Pathogenic for Aniridia 1. Last evaluated: 2025-12-05. Review status: criteria provided, single submitter. Criteria: ACMG Guidelines, 2015. Collection method: clinical testing. Allele origin: germline. Affected: yes.
Comment: The variant is not observed in the gnomAD v4.1.0 dataset. Predicted Consequence/Location: Stop-gained (nonsense): predicted to result in a loss or disruption of normal protein function through nonsense-mediated decay (NMD) or protein truncation. Multiple pathogenic variants are reported downstream of the variant. The variant has been reported at least twice as pathogenic with clinical assertions and evidence for the classification (ClinVar ID: VCV000279862 /PMID: 10234503 /3billion dataset). Therefore, this variant is classified as Pathogenic according to the recommendation of ACMG/AMP guideline.

PreventionGenetics, part of Exact Sciences
Classification: Pathogenic for PAX6-related condition. Last evaluated: 2025-09-04. Review status: criteria provided, single submitter. Criteria: ACMG Guidelines, 2015. Collection method: clinical testing. Allele origin: germline.
Comment: The PAX6 c.823C>T variant is predicted to result in premature protein termination (p.Arg275*). In an alternate transcript (NM_000280.4), this variant is also known as c.781C>T (p.Arg261*). This variant has been documented as a recurrent pathogenic variant in individuals with aniridia and several de novo occurrences have been noted (Cross et al. 2020. PubMed ID: 32360764). This variant has not been reported in a large population database (gnomAD), indicating this variant is rare. Nonsense variants in PAX6 are expected to be pathogenic. This variant is interpreted as pathogenic.

Labcorp Genetics (formerly Invitae), Labcorp
Classification: Pathogenic for Aniridia 1; Irido-corneo-trabecular dysgenesis. Last evaluated: 2025-03-05. Review status: criteria provided, single submitter. Criteria: Invitae Variant Classification Sherloc (09022015). Collection method: clinical testing. Allele origin: germline.
Comment: This sequence change creates a premature translational stop signal (p.Arg261*) in the PAX6 gene. It is expected to result in an absent or disrupted protein product. Loss-of-function variants in PAX6 are known to be pathogenic (PMID: 12634864). This variant is not present in population databases (gnomAD no frequency). This premature translational stop signal has been observed in individual(s) with aniridia (PMID: 10234503, 18483559, 22692063, 26661695, 28321846). Invitae Evidence Modeling of clinical and family history, age, sex, and reported ancestry of multiple individuals with this PAX6 variant has been performed. This variant is expected to be pathogenic with a positive predictive value of at least 99%. This is a validated machine learning model that incorporates the clinical features of 10,718 individuals referred to our laboratory for PAX6 testing. ClinVar contains an entry for this variant (Variation ID: 279862). For these reasons, this variant has been classified as Pathogenic.

Blueprint Genetics
Classification: Pathogenic for PAX6-related disorders. Last evaluated: 2024-02-05. Review status: criteria provided, single submitter. Criteria: ACMG Guidelines, 2015. Collection method: clinical testing. Allele origin: germline. Affected: yes. Observed: 1 variant allele.

Victorian Clinical Genetics Services, Murdoch Childrens Research Institute
Classification: Pathogenic for Aniridia 1. Last evaluated: 2023-07-16. Review status: criteria provided, single submitter. Criteria: ACMG Guidelines, 2015. Collection method: clinical testing. Allele origin: germline. Inheritance: Autosomal dominant inheritance. Affected: yes.
Comment: Based on the classification scheme VCGS_Germline_v1.3.4, this variant is classified as Pathogenic. Following criteria are met: 0102 - Loss of function is a known mechanism of disease in this gene and is associated with PAX6-related conditions. (I) 0107 - This gene is associated with autosomal dominant disease. (I) 0201 - Variant is predicted to cause nonsense-mediated decay (NMD) and loss of protein (premature termination codon is located at least 54 nucleotides upstream of the final exon-exon junction). (SP) 0251 - This variant is heterozygous. (I) 0301 - Variant is absent from gnomAD (both v2 and v3). (SP) 0701 - Other NMD predicted variants comparable to the one identified in this case have very strong previous evidence for pathogenicity (DECIPHER). (SP) 0801 - This variant has strong previous evidence of pathogenicity in unrelated individuals. This variant has been classified as pathogenic by multiple clinical laboratories in ClinVar. (SP) Legend: (SP) - Supporting pathogenic, (I) - Information, (SB) - Supporting benign

Neurometabolic Diseases Laboratory, Bellvitge Biomedical Research Institute (IDIBELL)
Classification: Pathogenic for PAX6-related disorders. Last evaluated: 2023-04-27. Review status: criteria provided, single submitter. Criteria: ACMG Guidelines, 2015. Collection method: research. Allele origin: germline. Affected: yes.

GeneDx
Classification: Pathogenic. Last evaluated: 2021-03-18. Review status: criteria provided, single submitter. Criteria: GeneDx Variant Classification Process June 2021. Collection method: clinical testing. Allele origin: germline. Affected: yes.
Comment: Nonsense variant predicted to result in protein truncation or nonsense mediated decay in a gene for which loss-of-function is a known mechanism of disease; Not observed in large population cohorts (Lek et al., 2016); This variant is associated with the following publications: (PMID: 33120723, 31861090, 22692063, 18483559, 28321846, 29618921, 12634864, 26661695, 10234503, 25525159, 32360764)

Wessex Regional Genetics Laboratory, Salisbury District Hospital
Classification: Pathogenic for Aniridia 1. Last evaluated: 2019-08-15. Review status: criteria provided, single submitter. Criteria: ACMG Guidelines, 2015. Collection method: clinical testing. Allele origin: unknown, de novo, inherited. Inheritance: Autosomal dominant inheritance. Affected: yes. Observed: 11 variant alleles.

Fulgent Genetics
Classification: Pathogenic for Aniridia 1; Coloboma, ocular, autosomal dominant; Coloboma of optic nerve; Foveal hypoplasia 1; Autosomal dominant keratitis; Isolated optic nerve hypoplasia; 11p partial monosomy syndrome; Irido-corneo-trabecular dysgenesis. Last evaluated: 2018-10-31. Review status: criteria provided, single submitter. Criteria: ACMG Guidelines, 2015. Collection method: clinical testing. Allele origin: unknown.

Genetics and Molecular Pathology, SA Pathology
Classification: Pathogenic for Aniridia 1. Last evaluated: 2015-07-31. Review status: criteria provided, single submitter. Criteria: ACMG Guidelines, 2015. Collection method: clinical testing. Allele origin: unknown. Inheritance: Autosomal dominant inheritance. Affected: yes. Observed: 1 variant allele, 1 heterozygote. Study: ANZRAG.

Juno Genomics, Hangzhou Juno Genomics, Inc
Classification: Pathogenic for Coloboma of optic nerve; Coloboma, ocular, autosomal dominant; Aniridia 1; Irido-corneo-trabecular dysgenesis; Foveal hypoplasia 1; Autosomal dominant keratitis; Isolated optic nerve hypoplasia. Review status: criteria provided, single submitter. Criteria: ACMG Guidelines, 2015. Collection method: clinical testing. Allele origin: germline. Affected: yes.
Comment: Absent from controls (or at extremely low frequency if recessive) in Genome Aggregation Database, Exome Sequencing Project, 1000 Genomes Project, or Exome Aggregation Consortium.;The prevalence of the variant in affected individuals is significantly increased compared to the prevalence in controls.;Patient's phenotype or family history is highly specific for a disease with a single genetic etiology.;Null variant in a gene where loss of function (LOF) is a known mechanism of disease.

Laboratory of Genetic Epidemiology, Research Centre for Medical Genetics
Classification: Pathogenic for Aniridia 1. Review status: no assertion criteria provided. Collection method: research. Allele origin: de novo. Inheritance: Autosomal dominant inheritance. Affected: yes. Observed: 1 heterozygote. Not counted in ClinVar's aggregate classification.

Literature cited by the submitters: PubMed 10234503 (cited by 3billion and Labcorp Genetics (formerly Invitae), Labcorp); PubMed 12634864 (cited by Labcorp Genetics (formerly Invitae), Labcorp); PubMed 18483559 (cited by Labcorp Genetics (formerly Invitae), Labcorp); PubMed 22692063 (cited by Labcorp Genetics (formerly Invitae), Labcorp); PubMed 26661695 (cited by Labcorp Genetics (formerly Invitae), Labcorp); PubMed 28321846 (cited by Labcorp Genetics (formerly Invitae), Labcorp and Laboratory of Genetic Epidemiology, Research Centre for Medical Genetics).